The following is an entry in ClinVar:

ClinVar aggregate classification (germline): Likely benign (1 of 4 stars; one submission).

Conditions:
Hereditary diffuse gastric adenocarcinoma (HDGC). Also called: DIFFUSE GASTRIC AND LOBULAR BREAST CANCER SYNDROME. Identifiers: Orphanet 26106, MedGen C1708349, MONDO:0007648, OMIM 137215.

Submission:

Myriad Genetics, Inc.
Classification: Likely benign for Hereditary diffuse gastric adenocarcinoma. Last evaluated: 2024-09-19. Review status: criteria provided, single submitter. Criteria: Myriad Autosomal Dominant, Autosomal Recessive and X-Linked Classification Criteria (2023). Collection method: clinical testing. Allele origin: unknown.
Comment: This variant is considered likely benign. This variant is intronic and is not expected to impact mRNA splicing.

NM_004360.5(CDH1):c.1565+8T>G

Gene: CDH1 (cadherin 1; plus strand). Cytogenetic location: 16q22.1.
Variant type: single nucleotide variant.
Coding change: c.1565+8T>G on transcript NM_004360.5 (MANE Select); 8 bases into the intron after coding-DNA position 1565, T replaced by G.
Molecular consequence: intron variant.
Genome position (GRCh38, 1-based): chr16:68,815,767, T>G. VCF-style: chr16-68815767-T-G. GRCh37 (hg19) VCF-style: chr16-68849670-T-G.
Other names: c.17+8T>G (NM_001317185.2); c.-255+8T>G (NM_001317186.2); c.1382+8T>G (NM_001317184.2).
Identifiers: ClinVar variation 3378852 (VCV003378852.1).
Genomic context (GRCh38, chr16:68,815,767, plus strand): 5'-ATCACATCCTACACTGCCCAGGAGCCAGACACATTTATGGAACAGAAAATAACGTAAGTG[T>G]GAGGATTTTTCAACTGACTTGCAGCAACTGGTTATTTTATATCATTTTATATGTAAATCA-3'